The following is an entry in ClinVar:

ClinVar aggregate classification (germline): Uncertain significance (1 of 4 stars; one submission).

Submission:

Ambry Genetics
Classification: Uncertain significance. Last evaluated: 2025-05-04. Review status: criteria provided, single submitter. Criteria: Ambry Variant Classification Scheme 2023. Collection method: clinical testing. Allele origin: germline.
Comment: The p.M196V variant (also known as c.586A>G), located in coding exon 5 of the SRP72 gene, results from an A to G substitution at nucleotide position 586. The methionine at codon 196 is replaced by valine, an amino acid with highly similar properties. This amino acid position is conserved. In addition, the in silico prediction for this alteration is inconclusive. Based on the available evidence, the clinical significance of this variant remains unclear.

NM_006947.4(SRP72):c.586A>G (p.Met196Val)

Gene: SRP72 (signal recognition particle 72; plus strand). Cytogenetic location: 4q12.
Variant type: single nucleotide variant.
Coding change: c.586A>G on transcript NM_006947.4 (MANE Select); coding-DNA position 586, A replaced by G.
Protein change: p.Met196Val; replaces methionine 196 with valine.
Molecular consequence: missense variant. On other transcripts: non-coding transcript variant (1).
Genome position (GRCh38, 1-based): chr4:56,474,367, A>G. VCF-style: chr4-56474367-A-G. GRCh37 (hg19) VCF-style: chr4-57340533-A-G.
Other names: c.586A>G, p.Met196Val (NM_001267722.2); short protein forms M196V.
Identifiers: ClinVar variation 3962096 (VCV003962096.1).